The following is an entry in ClinVar:

ClinVar aggregate classification (germline): Uncertain significance (1 of 4 stars; one submission).

Submission:

Labcorp Genetics (formerly Invitae), Labcorp
Classification: Uncertain significance. Last evaluated: 2022-03-16. Review status: criteria provided, single submitter. Criteria: Invitae Variant Classification Sherloc (09022015). Collection method: clinical testing. Allele origin: germline.
Comment: This sequence change replaces leucine, which is neutral and non-polar, with histidine, which is basic and polar, at codon 1062 of the SKIV2L protein (p.Leu1062His). This variant is not present in population databases (gnomAD no frequency). This variant has not been reported in the literature in individuals affected with SKIV2L-related conditions. Algorithms developed to predict the effect of missense changes on protein structure and function (SIFT, PolyPhen-2, Align-GVGD) all suggest that this variant is likely to be disruptive. In summary, the available evidence is currently insufficient to determine the role of this variant in disease. Therefore, it has been classified as a Variant of Uncertain Significance.

NM_006929.5(SKIC2):c.3185T>A (p.Leu1062His)

Gene: SKIC2 (SKI2 subunit of superkiller complex; plus strand). Cytogenetic location: 6p21.33.
Variant type: single nucleotide variant.
Coding change: c.3185T>A on transcript NM_006929.5 (MANE Select); coding-DNA position 3185, T replaced by A.
Protein change: p.Leu1062His; replaces leucine 1062 with histidine.
Molecular consequence: missense variant.
Genome position (GRCh38, 1-based): chr6:31,968,875, T>A. VCF-style: chr6-31968875-T-A. GRCh37 (hg19) VCF-style: chr6-31936652-T-A.
Other names: short protein forms L1062H.
Identifiers: ClinVar variation 1949080 (VCV001949080.5), dbSNP rs2483003665, ClinGen allele CA363486391.